The following is an entry in ClinVar:

NM_138691.3(TMC1):c.5C>A (p.Ser2Ter)

Gene: TMC1 (transmembrane channel like 1; plus strand). Cytogenetic location: 9q21.13.
Variant type: single nucleotide variant.
Coding change: c.5C>A on transcript NM_138691.3 (MANE Select); coding-DNA position 5, C replaced by A.
Protein change: p.Ser2Ter; replaces serine 2 with a stop codon.
Molecular consequence: nonsense.
Genome position (GRCh38, 1-based): chr9:72,648,653, C>A. VCF-style: chr9-72648653-C-A. GRCh37 (hg19) VCF-style: chr9-75263569-C-A.
Other names: short protein forms S2*.
Identifiers: ClinVar variation 3016360 (VCV003016360.2), dbSNP rs2489587191, ClinGen allele CA373722690.

ClinVar aggregate classification (germline): Pathogenic (1 of 4 stars; one submission).

Allele frequency attached by ClinVar (database versions not stated): gnomAD exomes below 0.00001.
gnomAD v4.1: 2 of 1,613,134 alleles (0.00012%); highest among the groups gnomAD compares: Non-Finnish European, 0.00017%; no homozygotes.

Submission:

Labcorp Genetics (formerly Invitae), Labcorp
Classification: Pathogenic. Last evaluated: 2023-07-06. Review status: criteria provided, single submitter. Criteria: Invitae Variant Classification Sherloc (09022015). Collection method: clinical testing. Allele origin: germline.
Comment: For these reasons, this variant has been classified as Pathogenic. This variant has not been reported in the literature in individuals affected with TMC1-related conditions. This variant is not present in population databases (gnomAD no frequency). This sequence change creates a premature translational stop signal (p.Ser2*) in the TMC1 gene. It is expected to result in an absent or disrupted protein product. Loss-of-function variants in TMC1 are known to be pathogenic (PMID: 11850618, 22105175).

Literature cited by the submitters: PubMed 11850618; PubMed 22105175.